The following is an entry in ClinVar:

ClinVar aggregate classification (germline): Pathogenic (1 of 4 stars; one submission).

Submission:

Labcorp Genetics (formerly Invitae), Labcorp
Classification: Pathogenic. Last evaluated: 2022-08-11. Review status: criteria provided, single submitter. Criteria: Invitae Variant Classification Sherloc (09022015). Collection method: clinical testing. Allele origin: germline.
Comment: This variant has not been reported in the literature in individuals affected with KIF11-related conditions. This variant is a gross deletion of the genomic region encompassing exon(s) 7-8 of the KIF11 gene. This deletion is out-of-frame, and is expected to create a premature termination codon and result in an absent or disrupted protein product. Loss-of-function variants in KIF11 are known to be pathogenic (PMID: 22284827, 24281367). For these reasons, this variant has been classified as Pathogenic.

Literature cited by the submitters: PubMed 22284827; PubMed 24281367.

NC_000010.10:g.(?_94372777)_(94373396_?)del

Gene: KIF11 (kinesin family member 11; plus strand). Cytogenetic location: 10q23.33.
Variant type: Deletion.
Identifiers: ClinVar variation 2425142 (VCV002425142.4).